The following is an entry in ClinVar:

NM_182710.3(KAT5):c.115G>A (p.Glu39Lys)

Genes: KAT5 (lysine acetyltransferase 5; plus strand), LOC130006059 (ATAC-STARR-seq lymphoblastoid silent region 3551; plus strand). Cytogenetic location: 11q13.1.
Variant type: single nucleotide variant.
Coding change: c.115G>A on transcript NM_182710.3 (MANE Select); coding-DNA position 115, G replaced by A.
Protein change: p.Glu39Lys; replaces glutamic acid 39 with lysine.
Molecular consequence: missense variant.
Genome position (GRCh38, 1-based): chr11:65,712,382, G>A. VCF-style: chr11-65712382-G-A. GRCh37 (hg19) VCF-style: chr11-65479853-G-A.
Other names: c.115G>A, p.Glu39Lys (NM_001206833.2); c.16G>A, p.Glu6Lys (NM_006388.4, NM_182709.3); short protein forms E39K, E6K.
Identifiers: ClinVar variation 3906002 (VCV003906002.10).

ClinVar aggregate classification (germline): Uncertain significance (1 of 4 stars; one submission).

Submission:

CeGaT Center for Human Genetics Tuebingen
Classification: Uncertain significance. Last evaluated: 2025-06-01. Review status: criteria provided, single submitter. Criteria: CeGaT Center For Human Genetics Tuebingen Variant Classification Criteria Version 2. Collection method: clinical testing. Allele origin: germline. Affected: yes. Observed: 1 variant allele.
Comment: KAT5: PM2